The following is an entry in ClinVar:

ClinVar aggregate classification (germline): Likely benign (1 of 4 stars; one submission).

Allele frequency attached by ClinVar (database versions not stated): gnomAD 0.00001; TOPMed 0.00001.
gnomAD v4.1: 9 of 1,613,694 alleles (0.00056%); highest among the groups gnomAD compares: Admixed American, 0.0033%; no homozygotes.

Submission:

CeGaT Center for Human Genetics Tuebingen
Classification: Likely benign. Last evaluated: 2022-03-01. Review status: criteria provided, single submitter. Criteria: CeGaT Center For Human Genetics Tuebingen Variant Classification Criteria Version 2. Collection method: clinical testing. Allele origin: germline. Affected: yes. Observed: 1 variant allele.
Comment: EPRS1: BP4, BP7

NM_004446.3(EPRS1):c.1683G>A (p.Ser561=)

Gene: EPRS1 (glutamyl-prolyl-tRNA synthetase 1; minus strand). Cytogenetic location: 1q41.
Variant type: single nucleotide variant.
Coding change: c.1683G>A on transcript NM_004446.3 (MANE Select); coding-DNA position 1683, G replaced by A.
Protein change: p.Ser561=; no amino-acid change (serine 561 retained).
Molecular consequence: synonymous variant.
Genome position (GRCh38, 1-based): chr1:220,007,261, C>T on the plus strand (G>A on the coding strand, the complement: EPRS1 is on the minus strand). VCF-style: chr1-220007261-C-T. GRCh37 (hg19) VCF-style: chr1-220180603-C-T.
Identifiers: ClinVar variation 2639905 (VCV002639905.24), dbSNP rs1321743695, ClinGen allele CA423149077.